The following is an entry in ClinVar:

NM_006269.2(RP1):c.4316T>C (p.Met1439Thr)

Gene: RP1 (RP1 axonemal microtubule associated; plus strand). Cytogenetic location: 8q12.1.
Variant type: single nucleotide variant.
Coding change: c.4316T>C on transcript NM_006269.2 (MANE Select); coding-DNA position 4316, T replaced by C.
Protein change: p.Met1439Thr; replaces methionine 1439 with threonine.
Molecular consequence: missense variant. On other transcripts: intron variant (1).
Genome position (GRCh38, 1-based): chr8:54,628,198, T>C. VCF-style: chr8-54628198-T-C. GRCh37 (hg19) VCF-style: chr8-55540758-T-C.
Other names: c.787+5910T>C (NM_001375654.1); short protein forms M1439T.
Identifiers: ClinVar variation 1494063 (VCV001494063.8), dbSNP rs1806133533, ClinGen allele CA370981934.

ClinVar aggregate classification (germline): Uncertain significance (1 of 4 stars; one submission).

Allele frequency attached by ClinVar (database versions not stated): gnomAD exomes below 0.00001; TOPMed below 0.00001.

Submission:

Labcorp Genetics (formerly Invitae), Labcorp
Classification: Uncertain significance. Last evaluated: 2021-01-14. Review status: criteria provided, single submitter. Criteria: Invitae Variant Classification Sherloc (09022015). Collection method: clinical testing. Allele origin: germline.
Comment: This variant is not present in population databases (ExAC no frequency). In summary, the available evidence is currently insufficient to determine the role of this variant in disease. Therefore, it has been classified as a Variant of Uncertain Significance. Algorithms developed to predict the effect of missense changes on protein structure and function (SIFT, PolyPhen-2, Align-GVGD) all suggest that this variant is likely to be tolerated, but these predictions have not been confirmed by published functional studies and their clinical significance is uncertain. This variant has not been reported in the literature in individuals with RP1-related conditions. This sequence change replaces methionine with threonine at codon 1439 of the RP1 protein (p.Met1439Thr). The methionine residue is weakly conserved and there is a moderate physicochemical difference between methionine and threonine.